The following is an entry in ClinVar:

NM_130468.4(CHST14):c.301G>A (p.Asp101Asn)

Gene: CHST14 (carbohydrate sulfotransferase 14; plus strand). Cytogenetic location: 15q15.1.
Variant type: single nucleotide variant.
Coding change: c.301G>A on transcript NM_130468.4 (MANE Select); coding-DNA position 301, G replaced by A.
Protein change: p.Asp101Asn; replaces aspartic acid 101 with asparagine.
Molecular consequence: missense variant.
Genome position (GRCh38, 1-based): chr15:40,471,514, G>A. VCF-style: chr15-40471514-G-A. GRCh37 (hg19) VCF-style: chr15-40763713-G-A.
Other names: p.Asp101Asn; short protein forms D101N.
Identifiers: ClinVar variation 2429543 (VCV002429543.4), dbSNP rs772328190, ClinGen allele CA7481578.

ClinVar aggregate classification (germline): Uncertain significance. Review status: criteria provided, multiple submitters, no conflicts (2 of 4 stars). 3 submissions from 3 submitters: Uncertain significance (3). Last evaluated 2023-08-15.

Conditions:
Cardiovascular phenotype. Identifiers: MedGen CN230736.

Allele frequency attached by ClinVar (database versions not stated): gnomAD exomes below 0.00001; ExAC 0.00001; gnomAD 0.00001; TOPMed 0.00002.
gnomAD v4.1: 2 of 1,600,568 alleles (0.00012%); highest among the groups gnomAD compares: Non-Finnish European, 0.00017%; no homozygotes.

Submissions (3):

Mayo Clinic Laboratories, Mayo Clinic
Classification: Uncertain significance. Last evaluated: 2023-08-15. Review status: criteria provided, single submitter. Criteria: ACMG Guidelines, 2015. Collection method: clinical testing. Allele origin: germline. Observed: 1 variant allele.
Comment: BP4

GeneDx
Classification: Uncertain significance. Last evaluated: 2023-02-13. Review status: criteria provided, single submitter. Criteria: GeneDx Variant Classification Process June 2021. Collection method: clinical testing. Allele origin: germline. Affected: yes.
Comment: Not observed at significant frequency in large population cohorts (gnomAD); In silico analysis supports that this missense variant does not alter protein structure/function; Has not been previously published as pathogenic or benign to our knowledge

Ambry Genetics
Classification: Uncertain significance for Cardiovascular phenotype. Last evaluated: 2022-12-09. Review status: criteria provided, single submitter. Criteria: Ambry Variant Classification Scheme 2023. Collection method: clinical testing. Allele origin: germline.
Comment: The p.D101N variant (also known as c.301G>A), located in coding exon 1 of the CHST14 gene, results from a G to A substitution at nucleotide position 301. The aspartic acid at codon 101 is replaced by asparagine, an amino acid with highly similar properties. This amino acid position is conserved. In addition, this alteration is predicted to be tolerated by in silico analysis. Since supporting evidence is limited at this time, the clinical significance of this alteration remains unclear.